The following is an entry in ClinVar:

ClinVar aggregate classification (germline): Pathogenic (1 of 4 stars; one submission).

Conditions:
Fanconi anemia complementation group A (FANCA). Also called: Fanconi anemia, group A; FANCA-Related Fanconi Anemia. Identifiers: Orphanet 84, MedGen C3469521, MONDO:0009215, OMIM 227650.

Submission:

St. Jude Molecular Pathology, St. Jude Children's Research Hospital
Classification: Pathogenic for Fanconi anemia complementation group A. Last evaluated: 2023-11-01. Review status: criteria provided, single submitter. Criteria: St. Jude Assertion Criteria 2020. Collection method: clinical testing. Allele origin: germline.
Comment: The FANCA c.1626+967_2015-679del variant is a gross deletion of the genomic region encompassing exons 18-22 of the FANCA gene. The 5’ end is likely confined to intron 17. The 3’ end of this event is likely confined to intron 22. This deletion is predicted to cause a frameshift and premature protein truncation. Deletions involving exons 18-22 FANCA have been reported in the literature in individuals with Fanconi anemia (PMID: 15643609, 17924555, 19367192, 21273304, 28717661, 29098742, 34585473). Loss-of-function variants in FANCA are known to be pathogenic (PMID: 19367192). In summary, this variant meets criteria to be classified as pathogenic.

NM_000135.4(FANCA):c.1626+967_2015-679del

Gene: FANCA (FA complementation group A; minus strand). Cytogenetic location: 16q24.3.
Variant type: Deletion.
Coding change: c.1626+967_2015-679del on transcript NM_000135.4 (MANE Select); 967 bases into the intron after coding-DNA position 1626 through 679 bases into the intron before coding-DNA position 2015, 9,400 bases deleted.
Molecular consequence: splice acceptor variant, splice donor variant.
Genome position (GRCh38, 1-based): chr16:89,772,493-89,781,892, 9,400 bases deleted. GRCh37 (hg19): chr16:89,838,901-89,848,300.
Other names: c.1626+967_2015-679del (NM_001286167.3).
Identifiers: ClinVar variation 2663995 (VCV002663995.1), ClinGen allele CA2695201179.